The following is an entry in ClinVar:

NM_000548.5(TSC2):c.1813C>A (p.Pro605Thr)

Gene: TSC2 (TSC complex subunit 2; plus strand). Cytogenetic location: 16p13.3.
Variant type: single nucleotide variant.
Coding change: c.1813C>A on transcript NM_000548.5 (MANE Select); coding-DNA position 1813, C replaced by A.
Protein change: p.Pro605Thr; replaces proline 605 with threonine.
Molecular consequence: missense variant.
Genome position (GRCh38, 1-based): chr16:2,070,552, C>A. VCF-style: chr16-2070552-C-A. GRCh37 (hg19) VCF-style: chr16-2120553-C-A.
Other names: c.1813C>A, p.Pro605Thr (NM_001077183.3, NM_001114382.3, NM_001363528.2 and 3 more transcripts); c.1702C>A, p.Pro568Thr (NM_001318827.2); c.1666C>A, p.Pro556Thr (NM_001318829.2); c.1213C>A, p.Pro405Thr (NM_001318831.2); c.1846C>A, p.Pro616Thr (NM_001318832.2); short protein forms P605T, P568T, P616T, P556T, P405T.
Identifiers: ClinVar variation 820127 (VCV000820127.16), dbSNP rs1295352648, ClinGen allele CA394272972.
Genomic context (GRCh38, chr16:2,070,552, plus strand): 5'-CGTGTGTATGAGATGCTGGTCAGCCACATTCAGCTCCACTACAAGCACAGCTACACCCTG[C>A]CAATCGCGAGCAGCATCCGGCTGCAGGTATGGTGGCTGGGGTTGCGCAGCCAGTTCCTGG-3'
Protein context (NP_000539.2, residues 595-615): QLHYKHSYTL[Pro605Thr]IASSIRLQAF

ClinVar aggregate classification (germline): Uncertain significance. Review status: criteria provided, multiple submitters, no conflicts (2 of 4 stars). 3 submissions from 3 submitters: Uncertain significance (3). Last evaluated 2026-01-31.

Conditions:
Tuberous sclerosis 2 (TSC2). Identifiers: Orphanet 805, MedGen C1860707, MONDO:0013199, OMIM 613254.
Hereditary cancer-predisposing syndrome. Also called: Hereditary Cancer Syndrome; Neoplastic Syndromes, Hereditary; Hereditary neoplastic syndrome; Tumor predisposition. Identifiers: Orphanet 140162, MedGen C0027672, MeSH D009386, MONDO:0015356.

gnomAD v4.1: 1 of 1,613,222 alleles (0.000062%); highest among the groups gnomAD compares: African/African-American, 0.0013%; no homozygotes.

Submissions (3):

Labcorp Genetics (formerly Invitae), Labcorp
Classification: Uncertain significance for Tuberous sclerosis 2. Last evaluated: 2026-01-31. Review status: criteria provided, single submitter. Criteria: Invitae Variant Classification Sherloc (09022015). Collection method: clinical testing. Allele origin: germline.
Comment: This sequence change replaces proline, which is neutral and non-polar, with threonine, which is neutral and polar, at codon 605 of the TSC2 protein (p.Pro605Thr). This variant is not present in population databases (gnomAD no frequency). This variant has not been reported in the literature in individuals affected with TSC2-related conditions. ClinVar contains an entry for this variant (Variation ID: 820127). Invitae Evidence Modeling of protein sequence and biophysical properties (such as structural, functional, and spatial information, amino acid conservation, physicochemical variation, residue mobility, and thermodynamic stability) indicates that this missense variant is not expected to disrupt TSC2 protein function with a negative predictive value of 95%. In summary, the available evidence is currently insufficient to determine the role of this variant in disease. Therefore, it has been classified as a Variant of Uncertain Significance.

Ambry Genetics
Classification: Uncertain significance for Hereditary cancer-predisposing syndrome. Last evaluated: 2022-07-01. Review status: criteria provided, single submitter. Criteria: Ambry Variant Classification Scheme 2023. Collection method: clinical testing. Allele origin: germline.
Comment: The p.P605T variant (also known as c.1813C>A), located in coding exon 16 of the TSC2 gene, results from a C to A substitution at nucleotide position 1813. The proline at codon 605 is replaced by threonine, an amino acid with highly similar properties. This amino acid position is not well conserved in available vertebrate species. In addition, the in silico prediction for this alteration is inconclusive. Since supporting evidence is limited at this time, the clinical significance of this alteration remains unclear.

Genome-Nilou Lab
Classification: Uncertain significance for Tuberous sclerosis 2. Last evaluated: 2021-11-07. Review status: criteria provided, single submitter. Criteria: ACMG Guidelines, 2015. Collection method: clinical testing. Allele origin: germline. Affected: no.